The following is an entry in ClinVar:

NM_014844.5(TECPR2):c.3259G>A (p.Gly1087Ser)

Gene: TECPR2 (tectonin beta-propeller repeat containing 2; plus strand). Cytogenetic location: 14q32.31.
Variant type: single nucleotide variant.
Coding change: c.3259G>A on transcript NM_014844.5 (MANE Select); coding-DNA position 3259, G replaced by A.
Protein change: p.Gly1087Ser; replaces glycine 1087 with serine.
Molecular consequence: missense variant.
Genome position (GRCh38, 1-based): chr14:102,449,812, G>A. VCF-style: chr14-102449812-G-A. GRCh37 (hg19) VCF-style: chr14-102916149-G-A.
Other names: c.3259G>A (NM_014844.4); c.3259G>A, p.Gly1087Ser (NM_001172631.3); short protein forms G1087S.
Identifiers: ClinVar variation 2742615 (VCV002742615.3), dbSNP rs1482724789, ClinGen allele CA391068269.
Genomic context (GRCh38, chr14:102,449,812, plus strand): 5'-ATGGCGTTTTGGTCCCAGCAGCTTCAGTGCCAGCCAAGCCTTCTCGGGGTCAATAACAGC[G>A]GTGTCTGGATCTCCTCGGGCAAGAATGAATTCCACGTCGCTAAGGGAAGTCTCATAGGTG-3'
Protein context (NP_055659.2, residues 1077-1097): QPSLLGVNNS[Gly1087Ser]VWISSGKNEF

ClinVar aggregate classification (germline): Uncertain significance. Review status: criteria provided, single submitter (1 of 4 stars). 2 submissions from 2 submitters: Uncertain significance (1). 1 of the submissions does not count toward it. Last evaluated 2023-12-01.

Conditions:
Hereditary spastic paraplegia 49 (HSAN9). Also called: TECPR2-Related Hereditary Sensory and Autonomic Neuropathy with Intellectual Disability; NEUROPATHY, HEREDITARY SENSORY AND AUTONOMIC, TYPE IX, WITH DEVELOPMENTAL DELAY; Spastic paraplegia 49, autosomal recessive. Identifiers: Orphanet 320385, MedGen C5190860, MONDO:0014016, OMIM 615031.

Allele frequency attached by ClinVar (database versions not stated): TOPMed below 0.00001.
gnomAD v4.1: 10 of 1,614,144 alleles (0.00062%); highest among the groups gnomAD compares: South Asian, 0.0011%; no homozygotes.

Submissions (2):

Labcorp Genetics (formerly Invitae), Labcorp
Classification: Uncertain significance for Hereditary spastic paraplegia 49. Last evaluated: 2023-12-01. Review status: criteria provided, single submitter. Criteria: Invitae Variant Classification Sherloc (09022015). Collection method: clinical testing. Allele origin: germline.
Comment: This sequence change replaces glycine, which is neutral and non-polar, with serine, which is neutral and polar, at codon 1087 of the TECPR2 protein (p.Gly1087Ser). This variant is present in population databases (no rsID available, gnomAD 0.003%). This variant has not been reported in the literature in individuals affected with TECPR2-related conditions. An algorithm developed to predict the effect of missense changes on protein structure and function (PolyPhen-2) suggests that this variant is likely to be disruptive. In summary, the available evidence is currently insufficient to determine the role of this variant in disease. Therefore, it has been classified as a Variant of Uncertain Significance.

Natera, Inc.
Classification: Uncertain significance for Autosomal recessive spastic paraplegia type 49. Last evaluated: 2025-03-21. Review status: no assertion criteria provided. Collection method: clinical testing. Allele origin: germline. Not counted in ClinVar's aggregate classification.